The following is an entry in ClinVar:

NM_006218.4(PIK3CA):c.910A>G (p.Met304Val)

Gene: PIK3CA (phosphatidylinositol-4,5-bisphosphate 3-kinase catalytic subunit alpha; plus strand). Cytogenetic location: 3q26.32.
Variant type: single nucleotide variant.
Coding change: c.910A>G on transcript NM_006218.4 (MANE Select); coding-DNA position 910, A replaced by G.
Protein change: p.Met304Val; replaces methionine 304 with valine.
Molecular consequence: missense variant.
Genome position (GRCh38, 1-based): chr3:179,203,640, A>G. VCF-style: chr3-179203640-A-G. GRCh37 (hg19) VCF-style: chr3-178921428-A-G.
Other names: short protein forms M304V.
Identifiers: ClinVar variation 1005328 (VCV001005328.12), dbSNP rs754602413, ClinGen allele CA2710608.

ClinVar aggregate classification (germline): Uncertain significance. Review status: criteria provided, multiple submitters, no conflicts (2 of 4 stars). 2 submissions from 2 submitters: Uncertain significance (2). Last evaluated 2025-06-29.

Conditions:
Inborn genetic diseases. Identifiers: MedGen C0950123, MeSH D030342.
Cowden syndrome (CS). Also called: Cowden's disease; Cowden's syndrome; Cowden disease. Identifiers: Orphanet 201, MedGen C0018553, MONDO:0016063. Disease mechanism: gain of function.

Allele frequency attached by ClinVar (database versions not stated): gnomAD exomes below 0.00001 and 0.00001; ExAC 0.00001.
gnomAD v4.1: 18 of 1,614,014 alleles (0.0011%); highest among the groups gnomAD compares: East Asian, 0.0022%; no homozygotes.

Submissions (2):

Ambry Genetics
Classification: Uncertain significance for Inborn genetic diseases. Last evaluated: 2025-06-29. Review status: criteria provided, single submitter. Criteria: Ambry Variant Classification Scheme 2023. Collection method: clinical testing. Allele origin: germline.

Labcorp Genetics (formerly Invitae), Labcorp
Classification: Uncertain significance for Cowden syndrome. Last evaluated: 2022-05-21. Review status: criteria provided, single submitter. Criteria: Invitae Variant Classification Sherloc (09022015). Collection method: clinical testing. Allele origin: germline.
Comment: In summary, the available evidence is currently insufficient to determine the role of this variant in disease. Therefore, it has been classified as a Variant of Uncertain Significance. Algorithms developed to predict the effect of sequence changes on RNA splicing suggest that this variant may disrupt the consensus splice site. Advanced modeling of protein sequence and biophysical properties (such as structural, functional, and spatial information, amino acid conservation, physicochemical variation, residue mobility, and thermodynamic stability) performed at Invitae indicates that this missense variant is not expected to disrupt PIK3CA protein function. ClinVar contains an entry for this variant (Variation ID: 1005328). This variant has not been reported in the literature in individuals affected with PIK3CA-related conditions. This variant is present in population databases (rs754602413, gnomAD 0.0009%). This sequence change replaces methionine, which is neutral and non-polar, with valine, which is neutral and non-polar, at codon 304 of the PIK3CA protein (p.Met304Val).